The following is an entry in ClinVar:

NM_001040142.2(SCN2A):c.328T>C (p.Tyr110His)

Gene: SCN2A (sodium voltage-gated channel alpha subunit 2; plus strand). Cytogenetic location: 2q24.3.
Variant type: single nucleotide variant.
Coding change: c.328T>C on transcript NM_001040142.2 (MANE Select); coding-DNA position 328, T replaced by C.
Protein change: p.Tyr110His; replaces tyrosine 110 with histidine.
Molecular consequence: missense variant.
Genome position (GRCh38, 1-based): chr2:165,297,077, T>C. VCF-style: chr2-165297077-T-C. GRCh37 (hg19) VCF-style: chr2-166153587-T-C.
Other names: c.328T>C, p.Tyr110His (NM_001040143.2, NM_001371246.1, NM_001371247.1 and 1 more transcripts); short protein forms Y110H.
Identifiers: ClinVar variation 1693057 (VCV001693057.5), dbSNP rs2106151181, ClinGen allele CA349011583.

ClinVar aggregate classification (germline): Uncertain significance. Review status: criteria provided, multiple submitters, no conflicts (2 of 4 stars). 2 submissions from 2 submitters: Uncertain significance (2). Last evaluated 2026-10-07.

Conditions:
Inborn genetic diseases. Identifiers: MedGen C0950123, MeSH D030342.

Submissions (2):

GeneDx
Classification: Uncertain significance. Last evaluated: 2026-10-07. Review status: criteria provided, single submitter. Criteria: GeneDx Variant Classification Process June 2021. Collection method: clinical testing. Allele origin: germline.
Comment: Not observed at significant frequency in large population cohorts (gnomAD); In silico analysis supports that this missense variant has a deleterious effect on protein structure/function; Has not been previously published as pathogenic or benign to our knowledge; This substitution is predicted to be within the N-terminal cytoplasmic domain

Ambry Genetics
Classification: Uncertain significance for Inborn genetic diseases. Last evaluated: 2025-05-07. Review status: criteria provided, single submitter. Criteria: Ambry Variant Classification Scheme 2023. Collection method: clinical testing. Allele origin: germline.
Comment: The c.328T>C (p.Y110H) alteration is located in exon 3 (coding exon 2) of the SCN2A gene. This alteration results from a T to C substitution at nucleotide position 328, causing the tyrosine (Y) at amino acid position 110 to be replaced by a histidine (H). This variant was not reported in population-based cohorts in the Genome Aggregation Database (gnomAD). This amino acid position is highly conserved in available vertebrate species. This alteration is predicted to be deleterious by in silico analysis. Based on insufficient or conflicting evidence, the clinical significance of this alteration remains unclear.